The following is an entry in ClinVar:

NM_000051.4(ATM):c.7449G>A (p.Trp2483Ter)

Genes: ATM (ATM serine/threonine kinase; plus strand), C11orf65 (chromosome 11 open reading frame 65; minus strand). Cytogenetic location: 11q22.3.
Variant type: single nucleotide variant.
Coding change: c.7449G>A on transcript NM_000051.4 (MANE Select); coding-DNA position 7449, G replaced by A.
Protein change: p.Trp2483Ter; replaces tryptophan 2483 with a stop codon.
Molecular consequence: nonsense. On other transcripts: intron variant (2).
Genome position (GRCh38, 1-based): chr11:108,330,355, G>A. VCF-style: chr11-108330355-G-A. GRCh37 (hg19) VCF-style: chr11-108201082-G-A.
Other names: c.7449G>A, p.Trp2483Ter (NM_001351834.2); c.641-21284C>T (NM_001330368.2); c.*38+4865C>T (NM_001351110.2); short protein forms W2483*.
Identifiers: ClinVar variation 245972 (VCV000245972.23), dbSNP rs773516672, ClinGen allele CA6266108.

ClinVar aggregate classification (germline): Pathogenic. Review status: criteria provided, multiple submitters, no conflicts (2 of 4 stars). 8 submissions from 8 submitters: Pathogenic (8). Last evaluated 2025-08-18.

Conditions:
ATM-related disorder. Also called: ATM-related disorders; ATM-related condition.
Hereditary cancer-predisposing syndrome. Also called: Neoplastic Syndromes, Hereditary; Hereditary neoplastic syndrome; Tumor predisposition; Hereditary Cancer Syndrome. Identifiers: Orphanet 140162, MedGen C0027672, MeSH D009386, MONDO:0015356.
Ataxia-telangiectasia syndrome (AT). Also called: Ataxia telangiectasia (A-T); Cerebello-oculocutaneous telangiectasia; Immunodeficiency with ataxia telangiectasia; LOUIS-BAR SYNDROME; AT, COMPLEMENTATION GROUP C; ATAXIA-TELANGIECTASIA, FRESNO VARIANT. Identifiers: Orphanet 100, MedGen C0004135, MONDO:0008840, OMIM 208900.
Familial cancer of breast. Also called: hereditary breast carcinoma; Hereditary breast cancer; BREAST CANCER, FAMILIAL. Identifiers: Orphanet 227535, MedGen C0346153, MONDO:0016419, OMIM 114480. Disease mechanism: loss of function.

Allele frequency attached by ClinVar (database versions not stated): gnomAD exomes 0.00001 and 0.00002; TOPMed 0.00001; ExAC 0.00001; gnomAD 0.00001.
gnomAD v4.1: 6 of 1,613,998 alleles (0.00037%); highest among the groups gnomAD compares: Admixed American, 0.0083%; no homozygotes.

Submissions (8):

Color Diagnostics, LLC DBA Color Health
Classification: Pathogenic for Hereditary cancer-predisposing syndrome. Last evaluated: 2025-08-18. Review status: criteria provided, single submitter. Criteria: ACMG Guidelines, 2015. Collection method: clinical testing. Allele origin: germline.
Comment: This variant changes 1 nucleotide in exon 50 of the ATM gene, creating a premature translation stop signal. In addition, this variant creates a new splice site which results in the deletion of the last 70 nucleotides of exon 50 (also described as exon 52 in the literaturePMID: 9682216, 14695534). This variant is expected to result in an absent or non-functional protein product. This variant has been reported in individuals affected with ataxia telangiectasia and is considered a founder mutation in the Costa Rican population (PMID: 9682216, 14695534). This variant has been identified in 4/251260 chromosomes in the general population by the Genome Aggregation Database (gnomAD). Loss of ATM function is a known mechanism of disease. Based on the available evidence, this variant is classified as Pathogenic.

Labcorp Genetics (formerly Invitae), Labcorp
Classification: Pathogenic for Ataxia-telangiectasia syndrome. Last evaluated: 2024-03-19. Review status: criteria provided, single submitter. Criteria: Invitae Variant Classification Sherloc (09022015). Collection method: clinical testing. Allele origin: germline.
Comment: This sequence change creates a premature translational stop signal (p.Trp2483*) in the ATM gene. It is expected to result in an absent or disrupted protein product. Loss-of-function variants in ATM are known to be pathogenic (PMID: 23807571, 25614872). This variant is present in population databases (rs773516672, gnomAD 0.009%). This premature translational stop signal has been observed in individual(s) with ataxia-telangiectasia (PMID: 9443866, 9682216). ClinVar contains an entry for this variant (Variation ID: 245972). Algorithms developed to predict the effect of sequence changes on RNA splicing suggest that this variant may disrupt the consensus splice site. For these reasons, this variant has been classified as Pathogenic.

Myriad Genetics, Inc.
Classification: Pathogenic for Familial cancer of breast. Last evaluated: 2024-01-31. Review status: criteria provided, single submitter. Criteria: Myriad Autosomal Dominant, Autosomal Recessive and X-Linked Classification Criteria (2023). Collection method: clinical testing. Allele origin: unknown.
Comment: This variant is considered pathogenic. This variant creates a termination codon and is predicted to result in premature protein truncation.

Ambry Genetics
Classification: Pathogenic for Hereditary cancer-predisposing syndrome. Last evaluated: 2023-02-13. Review status: criteria provided, single submitter. Criteria: Ambry Variant Classification Scheme 2023. Collection method: clinical testing. Allele origin: germline.
Comment: The p.W2483* pathogenic mutation (also known as c.7449G>A), located in coding exon 49 of the ATM gene, results from a G to A substitution at nucleotide position 7449. This changes the amino acid from a tryptophan to a stop codon within coding exon 49. This mutation has been reported in multiple Costa Rican individuals with ataxia telangiectasia, suggesting a founder effect in this population (Telatar M et al. Mol. Genet. Metab. 1998 May; 64(1):36-43; Telatar M et al. Am. J. Hum. Genet. 1998 Jan; 62(1):86-97). In addition to the clinical data presented in the literature, this alteration is expected to result in loss of function by premature protein truncation or nonsense-mediated mRNA decay. As such, this alteration is interpreted as a disease-causing mutation.

Blueprint Genetics
Classification: Pathogenic for ATM-related disorders. Last evaluated: 2023-01-24. Review status: criteria provided, single submitter. Criteria: ACMG Guidelines, 2015. Collection method: clinical testing. Allele origin: germline. Affected: yes. Observed: 1 variant allele.

Baylor Genetics
Classification: Pathogenic for Familial cancer of breast. Last evaluated: 2023-01-12. Review status: criteria provided, single submitter. Criteria: ACMG Guidelines, 2015. Collection method: clinical testing. Allele origin: unknown.

Women's Health and Genetics/Laboratory Corporation of America, LabCorp
Classification: Pathogenic for Ataxia-telangiectasia syndrome. Last evaluated: 2022-12-26. Review status: criteria provided, single submitter. Criteria: LabCorp Variant Classification Summary - May 2015. Collection method: clinical testing. Allele origin: germline.
Comment: Variant summary: ATM c.7449G>A (p.Trp2483X) results in a premature termination codon, predicted to cause a truncation of the encoded protein or absence of the protein due to nonsense mediated decay, which are commonly known mechanisms for disease. The variant allele was found at a frequency of 1.6e-05 in 251260 control chromosomes. c.7449G>A has been reported in the literature in individuals affected with Ataxia-Telangiectasia (example, Telatar_1998, Eng_2004). These data indicate that the variant is likely to be associated with disease. Four clinical diagnostic laboratories have submitted clinical-significance assessments for this variant to ClinVar after 2014 without evidence for independent evaluation. All laboratories classified the variant as pathogenic. Based on the evidence outlined above, the variant was classified as pathogenic.

GeneDx
Classification: Pathogenic. Last evaluated: 2015-10-07. Review status: criteria provided, single submitter. Criteria: GeneDx Variant Classification (06012015). Collection method: clinical testing. Allele origin: germline. Affected: yes.
Comment: This pathogenic variant is denoted ATM c.7449G>A at the cDNA level and p.Trp2483Ter (W2483X) at the protein level. The substitution creates a nonsense variant, which changes a Tryptophan to a premature stop codon (TGG>TGA) ; however, Eng et al. (2004) have also demonstrated that this variant creates a cryptic splice donor site resulting in a deletion of the last 70 nucleotides of exon 50, previously referred to as exon 52. Consistent with these results, multiple splicing models predict that this variant leads to the creation of a strong cryptic splice donor site. This variant is predicted to cause loss of normal protein function through either protein truncation or nonsense-mediated mRNA decay. ATM c.7449G>A has been reported in multiple patients with Ataxia-telangiectasia and is suggested to be a founder mutation in the Costa Rican population (Telatar 1998, Eng 2004). We consider it to be pathogenic.The ATM protein is a member of the phosphatidylinositol 3-kinase family of proteins that respond to DNA damage by phosphorylating key substrates involved in DNA repair and/or cell cycle control (MIM:607585). Homozygous or compound heterozygous pathogenic variants in the ATM gene are associated with Ataxia-telangiectasia (A-T), an autosomal recessive multisystem disorder characterized by progressive neurodegeneration, telangiectasias, immunodeficiency and increased risk of cancers, particularly for leukemia and lymphoma (MIM:208900, Gatti 2010). Individuals with A-T are also unusually sensitive to ionizing radiation (Gatti 2010). Although symptom onset for A-T typically occurs in childhood, milder adult-onset variant forms of A-T have been reported in individuals with identified homozygous or compound heterozygous pathogenic variants in ATM (McConville 1996, Verhagen 2009, Saunders-Pullman 2012).

Literature cited by the submitters: PubMed 9682216 (cited by 4 submitters); PubMed 14695534 (cited by Color Diagnostics, LLC DBA Color Health and Women's Health and Genetics/Laboratory Corporation of America, LabCorp); PubMed 23807571 (cited by Labcorp Genetics (formerly Invitae), Labcorp); PubMed 25614872 (cited by Labcorp Genetics (formerly Invitae), Labcorp); PubMed 9443866 (cited by 3 submitters).